The following is an entry in ClinVar:

NM_001655.5(ARCN1):c.3+8C>T

Genes: ARCN1 (archain 1 coat protein complex I subunit delta; plus strand), IFT46 (intraflagellar transport 46; minus strand). Cytogenetic location: 11q23.3.
Variant type: single nucleotide variant.
Coding change: c.3+8C>T on transcript NM_001655.5 (MANE Select); 8 bases into the intron after coding-DNA position 3, C replaced by T.
Molecular consequence: intron variant.
Genome position (GRCh38, 1-based): chr11:118,572,558, C>T. VCF-style: chr11-118572558-C-T. GRCh37 (hg19) VCF-style: chr11-118443273-C-T.
Other names: c.3+8C>T (NM_001142281.2).
Identifiers: ClinVar variation 718664 (VCV000718664.19), dbSNP rs188303468, ClinGen allele CA6305969.
Genomic context (GRCh38, chr11:118,572,558, plus strand): 5'-CTATCCCCAGTGGAGCCGGAGTGCGGGCGCGCCCCACCACCGCCCTCACCATGGTAAGAT[C>T]CGAGCCAGGACCCGAACTCCTGGGGTCCGAGCCTCACCGTCTCTCCTTGTCGGCGGGCCT-3'

ClinVar aggregate classification (germline): Benign. Review status: criteria provided, multiple submitters, no conflicts (2 of 4 stars). 3 submissions from 3 submitters: Benign (2). 1 of the submissions does not count toward it. Last evaluated 2025-10-24.

Conditions:
ARCN1-related disorder. Also called: ARCN1-related condition.

Allele frequency attached by ClinVar (database versions not stated): ESP Exome Variant Server 0.00015; gnomAD 0.00059 and 0.00093; TOPMed 0.00066; 1000 Genomes Project 30x 0.00453; 1000 Genomes Project 0.00479.
gnomAD v4.1: 1,456 of 1,609,086 alleles (0.09%); highest among the groups gnomAD compares: East Asian, 1.2%; 13 homozygotes.

Submissions (3):

Labcorp Genetics (formerly Invitae), Labcorp
Classification: Benign. Last evaluated: 2025-10-24. Review status: criteria provided, single submitter. Criteria: Invitae Variant Classification Sherloc (09022015). Collection method: clinical testing. Allele origin: germline.

CeGaT Center for Human Genetics Tuebingen
Classification: Benign. Last evaluated: 2025-03-01. Review status: criteria provided, single submitter. Criteria: CeGaT Center For Human Genetics Tuebingen Variant Classification Criteria Version 2. Collection method: clinical testing. Allele origin: germline. Affected: yes. Observed: 1 variant allele.
Comment: ARCN1: BP4, BS1, BS2

PreventionGenetics, part of Exact Sciences
Classification: Benign for ARCN1-related condition. Last evaluated: 2024-08-13. Review status: no assertion criteria provided. Collection method: clinical testing. Allele origin: germline. Not counted in ClinVar's aggregate classification.
Comment: This variant is classified as benign based on ACMG/AMP sequence variant interpretation guidelines (Richards et al. 2015 PMID: 25741868, with internal and published modifications).